The following is an entry in ClinVar:

ClinVar aggregate classification (germline): Uncertain significance (1 of 4 stars; one submission).

Submission:

GeneDx
Classification: Uncertain significance. Last evaluated: 2017-07-04. Review status: criteria provided, single submitter. Criteria: GeneDx Variant Classification (06012015). Collection method: clinical testing. Allele origin: germline. Affected: yes.
Comment: A variant of uncertain significance has been identified in the DSP gene. The D1541E variant has not been published as pathogenic or been reported as benign to our knowledge. This variant is not observed in large population cohorts (Lek et al., 2016; 1000 Genomes Consortium et al., 2015; Exome Variant Server). However, the D1541E variant is a conservative amino acid substitution, which is not likely to impact secondary protein structure as these residues share similar properties. This substitution occurs at a position where amino acids with similar properties to aspartic acid are tolerated across species and where glutamic acid is present as the wild type in several species. Finally, in silico analysis suggests that this variant likely does not alter the protein structure/function.

NM_004415.4(DSP):c.4623C>G (p.Asp1541Glu)

Gene: DSP (desmoplakin; plus strand). Cytogenetic location: 6p24.3.
Variant type: single nucleotide variant.
Coding change: c.4623C>G on transcript NM_004415.4 (MANE Select); coding-DNA position 4623, C replaced by G.
Protein change: p.Asp1541Glu; replaces aspartic acid 1541 with glutamic acid.
Molecular consequence: missense variant. On other transcripts: intron variant (2).
Genome position (GRCh38, 1-based): chr6:7,580,813, C>G. VCF-style: chr6-7580813-C-G. GRCh37 (hg19) VCF-style: chr6-7581046-C-G.
Other names: c.4623C>G (LRG_423t1); c.4050+573C>G (NM_001319034.2); c.3582+1041C>G (NM_001008844.3); short protein forms D1541E.
Identifiers: ClinVar variation 450170 (VCV000450170.2), dbSNP rs1554108349, ClinGen allele CA362686796.